The following is an entry in ClinVar:

ClinVar aggregate classification (germline): Uncertain significance (1 of 4 stars; one submission).

Allele frequency attached by ClinVar (database versions not stated): gnomAD 0.00001; gnomAD exomes 0.00001.
gnomAD v4.1: 15 of 1,614,072 alleles (0.00093%); highest among the groups gnomAD compares: Non-Finnish European, 0.0013%; no homozygotes.

Submission:

Labcorp Genetics (formerly Invitae), Labcorp
Classification: Uncertain significance. Last evaluated: 2025-05-23. Review status: criteria provided, single submitter. Criteria: Invitae Variant Classification Sherloc (09022015). Collection method: clinical testing. Allele origin: germline.
Comment: This sequence change replaces valine, which is neutral and non-polar, with isoleucine, which is neutral and non-polar, at codon 443 of the KLHL9 protein (p.Val443Ile). This variant is not present in population databases (gnomAD no frequency). This variant has not been reported in the literature in individuals affected with KLHL9-related conditions. ClinVar contains an entry for this variant (Variation ID: 1505621). Invitae Evidence Modeling of protein sequence and biophysical properties (such as structural, functional, and spatial information, amino acid conservation, physicochemical variation, residue mobility, and thermodynamic stability) indicates that this missense variant is not expected to disrupt KLHL9 protein function with a negative predictive value of 80%. In summary, the available evidence is currently insufficient to determine the role of this variant in disease. Therefore, it has been classified as a Variant of Uncertain Significance.

NM_018847.4(KLHL9):c.1327G>A (p.Val443Ile)

Gene: KLHL9 (kelch like family member 9; minus strand). Cytogenetic location: 9p21.3.
Variant type: single nucleotide variant.
Coding change: c.1327G>A on transcript NM_018847.4 (MANE Select); coding-DNA position 1327, G replaced by A.
Protein change: p.Val443Ile; replaces valine 443 with isoleucine.
Molecular consequence: missense variant.
Genome position (GRCh38, 1-based): chr9:21,333,533, C>T on the plus strand (G>A on the coding strand, the complement: KLHL9 is on the minus strand). VCF-style: chr9-21333533-C-T. GRCh37 (hg19) VCF-style: chr9-21333532-C-T.
Other names: short protein forms V443I.
Identifiers: ClinVar variation 1505621 (VCV001505621.8), dbSNP rs1563854331, ClinGen allele CA373069017.
Genomic context (GRCh38, chr9:21,333,533, plus strand): 5'-GCTCATTTTGGAAAGTGTCATGGGTAATTCCTCCTGAAATATACATTAAGCCTCCATATA[C>T]TGTTCCAGCATGACCATAGTGGGGTTCACTCATTTTTGCAACATAGCTCCACTCATTCAT-3'
Protein context (NP_061335.1, residues 433-453): SEPHYGHAGT[Val443Ile]YGGLMYISGG